The following is an entry in ClinVar:

NM_002480.3(PPP1R12A):c.1095G>A (p.Ser365=)

Gene: PPP1R12A (protein phosphatase 1 regulatory subunit 12A; minus strand). Cytogenetic location: 12q21.2.
Variant type: single nucleotide variant.
Coding change: c.1095G>A on transcript NM_002480.3 (MANE Select); coding-DNA position 1095, G replaced by A.
Protein change: p.Ser365=; no amino-acid change (serine 365 retained).
Molecular consequence: synonymous variant.
Genome position (GRCh38, 1-based): chr12:79,820,793, C>T on the plus strand (G>A on the coding strand, the complement: PPP1R12A is on the minus strand). VCF-style: chr12-79820793-C-T. GRCh37 (hg19) VCF-style: chr12-80214573-C-T.
Other names: c.1095G>A, p.Ser365= (NM_001143885.2, NM_001244990.2, NM_001244992.1); c.834G>A, p.Ser278= (NM_001143886.2); c.1095G>A (NM_002480.2).
Identifiers: ClinVar variation 2869582 (VCV002869582.4), dbSNP rs376255196, ClinGen allele CA6699758.

ClinVar aggregate classification (germline): Conflicting classifications of pathogenicity. Review status: criteria provided, conflicting classifications (1 of 4 stars). 2 submissions from 2 submitters: Uncertain significance (1); Likely benign (1). Last evaluated 2026-05-12.

Conditions:
Inborn genetic diseases. Identifiers: MedGen C0950123, MeSH D030342.

Allele frequency attached by ClinVar (database versions not stated): ExAC 0.00001; TOPMed 0.00003; gnomAD 0.00003; ESP Exome Variant Server 0.00008.
gnomAD v4.1: 31 of 1,612,256 alleles (0.0019%); highest among the groups gnomAD compares: Admixed American, 0.005%; no homozygotes.

Submissions (2):

Ambry Genetics
Classification: Likely benign for Inborn genetic diseases. Last evaluated: 2026-05-12. Review status: criteria provided, single submitter. Criteria: Ambry Variant Classification Scheme 2023. Collection method: clinical testing. Allele origin: germline.

Labcorp Genetics (formerly Invitae), Labcorp
Classification: Uncertain significance. Last evaluated: 2023-05-12. Review status: criteria provided, single submitter. Criteria: Invitae Variant Classification Sherloc (09022015). Collection method: clinical testing. Allele origin: germline.
Comment: In summary, the available evidence is currently insufficient to determine the role of this variant in disease. Therefore, it has been classified as a Variant of Uncertain Significance. This variant has not been reported in the literature in individuals affected with PPP1R12A-related conditions. The frequency data for this variant in the population databases is considered unreliable, as metrics indicate poor data quality at this position in the gnomAD database. This sequence change affects codon 365 of the PPP1R12A mRNA. It is a 'silent' change, meaning that it does not change the encoded amino acid sequence of the PPP1R12A protein.